The following is an entry in ClinVar:

ClinVar aggregate classification (germline): Uncertain significance (1 of 4 stars; one submission).

Allele frequency attached by ClinVar (database versions not stated): ExAC 0.00001.

Submission:

Women's Health and Genetics/Laboratory Corporation of America, LabCorp
Classification: Uncertain significance. Last evaluated: 2025-05-19. Review status: criteria provided, single submitter. Criteria: LabCorp Variant Classification Summary - May 2015. Collection method: clinical testing. Allele origin: germline.
Comment: Variant summary: ARSA c.580C>G (p.Pro194Ala) results in a non-conservative amino acid change in the encoded protein sequence. Algorithms developed to predict the effect of missense changes on protein structure and function are either unavailable or do not agree on the potential impact of this missense change. The variant allele was found at a frequency of 4e-06 in 249220 control chromosomes. To our knowledge, no occurrence of c.580C>G in individuals affected with Metachromatic Leukodystrophy and no experimental evidence demonstrating its impact on protein function have been reported. Different variants affecting the same codon have been classified as likely pathogenic/pathogenic by our lab (p.Pro194His, p.Pro194Arg), supporting the critical relevance of codon 194 to ARSA protein function. ClinVar contains an entry for this variant (Variation ID: 3237247). Based on the evidence outlined above, the variant was classified as VUS-possibly pathogenic.

NM_000487.6(ARSA):c.580C>G (p.Pro194Ala)

Gene: ARSA (arylsulfatase A; minus strand). Cytogenetic location: 22q13.33.
Variant type: single nucleotide variant.
Coding change: c.580C>G on transcript NM_000487.6 (MANE Select); coding-DNA position 580, C replaced by G.
Protein change: p.Pro194Ala; replaces proline 194 with alanine.
Molecular consequence: missense variant.
Genome position (GRCh38, 1-based): chr22:50,626,938, G>C on the plus strand (C>G on the coding strand, the complement: ARSA is on the minus strand). VCF-style: chr22-50626938-G-C. GRCh37 (hg19) VCF-style: chr22-51065366-G-C.
Other names: c.580C>G, p.Pro194Ala (NM_001085425.3, NM_001085426.3, NM_001085427.3); c.322C>G, p.Pro108Ala (NM_001085428.3, NM_001362782.2); short protein forms P108A, P194A.
Identifiers: ClinVar variation 3237247 (VCV003237247.3), dbSNP rs777554660.